The following is an entry in ClinVar:

ClinVar aggregate classification (germline): Pathogenic (1 of 4 stars; one submission).

Conditions:
Developmental delay with variable intellectual impairment and behavioral abnormalities. Identifiers: MedGen C5193092, MONDO:0032745, OMIM 618430.

Submission:

Juno Genomics, Hangzhou Juno Genomics, Inc
Classification: Pathogenic for Developmental delay with variable intellectual impairment and behavioral abnormalities. Review status: criteria provided, single submitter. Criteria: ACMG Guidelines, 2015. Collection method: clinical testing. Allele origin: germline. Affected: yes.
Comment: Absent from controls (or at extremely low frequency if recessive) in Genome Aggregation Database, Exome Sequencing Project, 1000 Genomes Project, or Exome Aggregation Consortium.;De novo (both maternity and paternity confirmed) in a patient with the disease and no family history.;Null variant in a gene where loss of function (LOF) is a known mechanism of disease.

NM_001378418.1(TCF20):c.5126_5127del (p.Gly1709fs)

Gene: TCF20 (transcription factor 20; minus strand). Cytogenetic location: 22q13.2.
Variant type: Deletion.
Coding change: c.5126_5127del on transcript NM_001378418.1 (MANE Select); coding-DNA positions 5126 to 5127, 2 bases deleted (GC; older notation c.5126_5127delGC).
Protein change: p.Gly1709fs; shifts the reading frame from glycine 1709.
Molecular consequence: frameshift variant.
Genome position (GRCh38, 1-based): chr22:42,210,179-42,210,180, GC deleted on the plus strand (GC on the coding strand, the reverse complement: TCF20 is on the minus strand). VCF-style (leftmost placement, unchanged base first): chr22-42210178-TGC-T. GRCh37 (hg19) VCF-style: chr22-42606184-TGC-T.
Other names: c.5126_5127del, p.Gly1709fs (NM_005650.4, NM_181492.3); short protein forms G1709fs.
Identifiers: ClinVar variation 4796562 (VCV004796562.1).